The following is an entry in ClinVar:

ClinVar aggregate classification (germline): Benign (1 of 4 stars; one submission).

gnomAD v4.1: 203 of 398,694 alleles (0.051%); highest among the groups gnomAD compares: Non-Finnish European, 0.063%; 1 homozygote.

Submission:

CeGaT Center for Human Genetics Tuebingen
Classification: Benign. Last evaluated: 2024-11-01. Review status: criteria provided, single submitter. Criteria: CeGaT Center For Human Genetics Tuebingen Variant Classification Criteria Version 2. Collection method: clinical testing. Allele origin: germline. Affected: yes. Observed: 2 variant alleles.
Comment: KCNQ1OT1: BS1, BS2

NM_000218.3(KCNQ1):c.1514+28255G>C

Genes: KCNQ1 (potassium voltage-gated channel subfamily Q member 1; plus strand), KCNQ1OT1 (KCNQ1 opposite strand/antisense transcript 1; minus strand). Cytogenetic location: 11p15.5.
Variant type: single nucleotide variant.
Coding change: c.1514+28255G>C on transcript NM_000218.3 (MANE Select); 28255 bases into the intron after coding-DNA position 1514, G replaced by C.
Molecular consequence: intron variant. On other transcripts: non-coding transcript variant (1).
Genome position (GRCh38, 1-based): chr11:2,690,336, G>C. VCF-style: chr11-2690336-G-C. GRCh37 (hg19) VCF-style: chr11-2711566-G-C.
Other names: c.1244+28255G>C (NM_001406837.1); c.1418+28255G>C (NM_001406836.1); c.974+28255G>C (NM_001406838.1); c.1133+28255G>C (NM_181798.2).
Identifiers: ClinVar variation 3257246 (VCV003257246.17).
Genomic context (GRCh38, chr11:2,690,336, plus strand): 5'-TATGTGTAGTGTCTTCCTCCCTGTAGGATTGTCACAAGGATTAAATGATGTCAAGTCTGA[G>C]GCTGCCCTGCAGCTGCTGTTTCCACTACTTGGCATGGAACATGTGCCAGACCAAAAGAGC-3'